The following is an entry in ClinVar:

ClinVar aggregate classification (germline): Conflicting classifications of pathogenicity. Review status: criteria provided, conflicting classifications (1 of 4 stars). 2 submissions from 2 submitters: Uncertain significance (1); Likely benign (1). Last evaluated 2026-09-10.

Conditions:
DBH-related disorder. Also called: DBH-related condition.
Orthostatic hypotension 1 (ORTHYP1). Also called: Dopamine beta-hydroxylase deficiency; Orthostatic hypotension 1, due to DBH deficiency; NORADRENALINE DEFICIENCY; NOREPINEPHRINE DEFICIENCY. Identifiers: Orphanet 230, MedGen C4746777, MONDO:0009123, OMIM 223360.

Allele frequency attached by ClinVar (database versions not stated): gnomAD 0.00001.
gnomAD v4.1: 16 of 1,613,046 alleles (0.00099%); highest among the groups gnomAD compares: South Asian, 0.0022%; no homozygotes.

Submissions (2):

PreventionGenetics, part of Exact Sciences
Classification: Likely benign for DBH-related condition. Last evaluated: 2026-09-10. Review status: criteria provided, single submitter. Criteria: ACMG Guidelines, 2015. Collection method: clinical testing. Allele origin: germline.
Comment: This variant is classified as likely benign based on ACMG/AMP sequence variant interpretation guidelines (Richards et al. 2015 PMID: 25741868, with internal and published modifications).

Labcorp Genetics (formerly Invitae), Labcorp
Classification: Uncertain significance for Orthostatic hypotension 1. Last evaluated: 2022-08-02. Review status: criteria provided, single submitter. Criteria: Invitae Variant Classification Sherloc (09022015). Collection method: clinical testing. Allele origin: germline.
Comment: This sequence change falls in intron 4 of the DBH gene. It does not directly change the encoded amino acid sequence of the DBH protein. It affects a nucleotide within the consensus splice site. This variant is present in population databases (rs761983627, gnomAD 0.003%). This variant has not been reported in the literature in individuals affected with DBH-related conditions. Variants that disrupt the consensus splice site are a relatively common cause of aberrant splicing (PMID: 17576681, 9536098). Algorithms developed to predict the effect of sequence changes on RNA splicing suggest that this variant is not likely to affect RNA splicing. In summary, the available evidence is currently insufficient to determine the role of this variant in disease. Therefore, it has been classified as a Variant of Uncertain Significance.

Literature cited by the submitters: PubMed 17576681 (cited by Labcorp Genetics (formerly Invitae), Labcorp); PubMed 9536098 (cited by Labcorp Genetics (formerly Invitae), Labcorp).

NM_000787.4(DBH):c.921+4C>T

Gene: DBH (dopamine beta-hydroxylase; plus strand). Cytogenetic location: 9q34.2.
Variant type: single nucleotide variant.
Coding change: c.921+4C>T on transcript NM_000787.4 (MANE Select); 4 bases into the intron after coding-DNA position 921, C replaced by T.
Molecular consequence: intron variant.
Genome position (GRCh38, 1-based): chr9:133,643,593, C>T. VCF-style: chr9-133643593-C-T. GRCh37 (hg19) VCF-style: chr9-136508715-C-T.
Other names: c.921+4C>T (NM_000787.3).
Identifiers: ClinVar variation 2085891 (VCV002085891.5), dbSNP rs761983627, ClinGen allele CA5313229.
Genomic context (GRCh38, chr9:133,643,593, plus strand): 5'-CCCGACCGCCTCAACTACTGCCGCCACGTGCTGGCCGCCTGGGCCCTGGGTGCCAAGGTG[C>T]GTGCCCTGCGACCCCAGCATGGTGTCTCCTGCCTGGGCCCCTGGCATCCCCACACCTCTG-3'